The following is an entry in ClinVar:

NM_006946.4(SPTBN2):c.1511C>G (p.Ala504Gly)

Gene: SPTBN2 (spectrin beta, non-erythrocytic 2; minus strand). Cytogenetic location: 11q13.2.
Variant type: single nucleotide variant.
Coding change: c.1511C>G on transcript NM_006946.4 (MANE Select); coding-DNA position 1511, C replaced by G.
Protein change: p.Ala504Gly; replaces alanine 504 with glycine.
Molecular consequence: missense variant.
Genome position (GRCh38, 1-based): chr11:66,707,658, G>C on the plus strand (C>G on the coding strand, the complement: SPTBN2 is on the minus strand). VCF-style: chr11-66707658-G-C. GRCh37 (hg19) VCF-style: chr11-66475129-G-C.
Other names: short protein forms A504G.
Identifiers: ClinVar variation 1307072 (VCV001307072.3), dbSNP rs1454805342, ClinGen allele CA381480431.

ClinVar aggregate classification (germline): Uncertain significance. Review status: criteria provided, multiple submitters, no conflicts (2 of 4 stars). 2 submissions from 2 submitters: Uncertain significance (2). Last evaluated 2022-01-31.

Allele frequency attached by ClinVar (database versions not stated): TOPMed below 0.00001; gnomAD 0.00001.
gnomAD v4.1: 1 of 1,607,630 alleles (0.000062%); highest among the groups gnomAD compares: African/African-American, 0.0013%; no homozygotes.

Submissions (2):

Athena Diagnostics
Classification: Uncertain significance. Last evaluated: 2022-01-31. Review status: criteria provided, single submitter. Criteria: Athena Diagnostics Criteria. Collection method: clinical testing. Allele origin: unknown.

GeneDx
Classification: Uncertain significance. Last evaluated: 2019-07-12. Review status: criteria provided, single submitter. Criteria: GeneDx Variant Classification Process June 2021. Collection method: clinical testing. Allele origin: germline. Affected: yes.
Comment: Not observed in large population cohorts (Lek et al., 2016); In silico analysis, which includes protein predictors and evolutionary conservation, supports a deleterious effect; Has not been previously published as pathogenic or benign to our knowledge